The following is an entry in ClinVar:

NM_152703.5(SAMD9L):c.34A>G (p.Lys12Glu)

Gene: SAMD9L (sterile alpha motif domain containing 9 like; minus strand). Cytogenetic location: 7q21.2.
Variant type: single nucleotide variant.
Coding change: c.34A>G on transcript NM_152703.5 (MANE Select); coding-DNA position 34, A replaced by G.
Protein change: p.Lys12Glu; replaces lysine 12 with glutamic acid.
Molecular consequence: missense variant.
Genome position (GRCh38, 1-based): chr7:93,135,938, T>C on the plus strand (A>G on the coding strand, the complement: SAMD9L is on the minus strand). VCF-style: chr7-93135938-T-C. GRCh37 (hg19) VCF-style: chr7-92765251-T-C.
Other names: c.34A>G, p.Lys12Glu (NM_001303496.3, NM_001303497.3, NM_001303498.3 and 5 more transcripts); c.34A>G (NM_152703.2); short protein forms K12E.
Identifiers: ClinVar variation 1317338 (VCV001317338.3), dbSNP rs2116509369, ClinGen allele CA368207056.

ClinVar aggregate classification (germline): Uncertain significance. Review status: criteria provided, multiple submitters, no conflicts (2 of 4 stars). 2 submissions from 2 submitters: Uncertain significance (2). Last evaluated 2025-05-04.

Conditions:
Inborn genetic diseases. Identifiers: MedGen C0950123, MeSH D030342.

Submissions (2):

Ambry Genetics
Classification: Uncertain significance for Inborn genetic diseases. Last evaluated: 2025-05-04. Review status: criteria provided, single submitter. Criteria: Ambry Variant Classification Scheme 2023. Collection method: clinical testing. Allele origin: germline.
Comment: The p.K12E variant (also known as c.34A>G), located in coding exon 1 of the SAMD9L gene, results from an A to G substitution at nucleotide position 34. The lysine at codon 12 is replaced by glutamic acid, an amino acid with similar properties. This amino acid position is conserved. In addition, this alteration is predicted to be tolerated by in silico analysis. Based on the available evidence, the clinical significance of this variant remains unclear.

GeneDx
Classification: Uncertain significance. Last evaluated: 2020-07-30. Review status: criteria provided, single submitter. Criteria: GeneDx Variant Classification Process June 2021. Collection method: clinical testing. Allele origin: germline. Affected: yes.
Comment: Not observed in large population cohorts (Lek 2016); In silico analysis supports that this missense variant does not alter protein structure/function; Has not been previously published as pathogenic or benign to our knowledge